The following is an entry in ClinVar:

NM_001556.3(IKBKB):c.2156T>C (p.Leu719Pro)

Gene: IKBKB (inhibitor of nuclear factor kappa B kinase subunit beta; plus strand). Cytogenetic location: 8p11.21.
Variant type: single nucleotide variant.
Coding change: c.2156T>C on transcript NM_001556.3 (MANE Select); coding-DNA position 2156, T replaced by C.
Protein change: p.Leu719Pro; replaces leucine 719 with proline.
Molecular consequence: missense variant. On other transcripts: non-coding transcript variant (3).
Genome position (GRCh38, 1-based): chr8:42,329,165, T>C. VCF-style: chr8-42329165-T-C. GRCh37 (hg19) VCF-style: chr8-42186683-T-C.
Other names: c.1964T>C, p.Leu655Pro (NM_001190720.3); c.1979T>C, p.Leu660Pro (NM_001242778.2); short protein forms L660P, L719P, L655P.
Identifiers: ClinVar variation 1504207 (VCV001504207.8), dbSNP rs2130735732, ClinGen allele CA371094730.

ClinVar aggregate classification (germline): Uncertain significance (1 of 4 stars; one submission).

Conditions:
Severe combined immunodeficiency due to IKK2 deficiency. Also called: Immunodeficiency 15; IMMUNODEFICIENCY 15B. Identifiers: Orphanet 397787, MedGen C4747743, MONDO:0014267, OMIM 615592.

Submission:

Labcorp Genetics (formerly Invitae), Labcorp
Classification: Uncertain significance for Severe combined immunodeficiency due to IKK2 deficiency. Last evaluated: 2022-06-13. Review status: criteria provided, single submitter. Criteria: Invitae Variant Classification Sherloc (09022015). Collection method: clinical testing. Allele origin: germline.
Comment: This sequence change replaces leucine, which is neutral and non-polar, with proline, which is neutral and non-polar, at codon 719 of the IKBKB protein (p.Leu719Pro). This variant is not present in population databases (gnomAD no frequency). This variant has not been reported in the literature in individuals affected with IKBKB-related conditions. Advanced modeling of protein sequence and biophysical properties (such as structural, functional, and spatial information, amino acid conservation, physicochemical variation, residue mobility, and thermodynamic stability) performed at Invitae indicates that this missense variant is not expected to disrupt IKBKB protein function. Algorithms developed to predict the effect of sequence changes on RNA splicing suggest that this variant may create or strengthen a splice site. In summary, the available evidence is currently insufficient to determine the role of this variant in disease. Therefore, it has been classified as a Variant of Uncertain Significance.